The following is an entry in ClinVar:

ClinVar aggregate classification (germline): Uncertain significance (1 of 4 stars; one submission).

Conditions:
Charcot-Marie-Tooth disease type 4A. Also called: Charcot-Marie-Tooth disease, demyelinating, autosomal recessive, type 4a. Identifiers: Orphanet 99948, MedGen C1859198, MONDO:0008961, OMIM 214400.

Allele frequency attached by ClinVar (database versions not stated): gnomAD exomes below 0.00001; gnomAD 0.00001.

Submission:

Labcorp Genetics (formerly Invitae), Labcorp
Classification: Uncertain significance for Charcot-Marie-Tooth disease type 4A. Last evaluated: 2025-03-30. Review status: criteria provided, single submitter. Criteria: Invitae Variant Classification Sherloc (09022015). Collection method: clinical testing. Allele origin: germline.
Comment: This sequence change replaces glutamic acid, which is acidic and polar, with lysine, which is basic and polar, at codon 176 of the GDAP1 protein (p.Glu176Lys). This variant is present in population databases (no rsID available, gnomAD 0.06%). This variant has not been reported in the literature in individuals affected with GDAP1-related conditions. ClinVar contains an entry for this variant (Variation ID: 665783). Invitae Evidence Modeling of protein sequence and biophysical properties (such as structural, functional, and spatial information, amino acid conservation, physicochemical variation, residue mobility, and thermodynamic stability) indicates that this missense variant is not expected to disrupt GDAP1 protein function with a negative predictive value of 80%. In summary, the available evidence is currently insufficient to determine the role of this variant in disease. Therefore, it has been classified as a Variant of Uncertain Significance.

NM_018972.4(GDAP1):c.526G>A (p.Glu176Lys)

Gene: GDAP1 (ganglioside induced differentiation associated protein 1; plus strand). Cytogenetic location: 8q21.11.
Variant type: single nucleotide variant.
Coding change: c.526G>A on transcript NM_018972.4 (MANE Select); coding-DNA position 526, G replaced by A.
Protein change: p.Glu176Lys; replaces glutamic acid 176 with lysine.
Molecular consequence: missense variant.
Genome position (GRCh38, 1-based): chr8:74,361,925, G>A. VCF-style: chr8-74361925-G-A. GRCh37 (hg19) VCF-style: chr8-75274160-G-A.
Other names: c.322G>A, p.Glu108Lys (NM_001040875.4); c.199G>A, p.Glu67Lys (NM_001362929.2, NM_001362932.2); c.352G>A, p.Glu118Lys (NM_001362930.2); c.526G>A, p.Glu176Lys (NM_001362931.2); short protein forms E108K, E176K, E118K, E67K.
Identifiers: ClinVar variation 665783 (VCV000665783.8), dbSNP rs1475695228, ClinGen allele CA371549087.